The following is an entry in ClinVar:

NM_022841.7(RFX7):c.846A>G (p.Ile282Met)

Gene: RFX7 (regulatory factor X7; minus strand). Cytogenetic location: 15q21.3.
Variant type: single nucleotide variant.
Coding change: c.846A>G on transcript NM_022841.7 (MANE Select); coding-DNA position 846, A replaced by G.
Protein change: p.Ile282Met; replaces isoleucine 282 with methionine.
Molecular consequence: missense variant.
Genome position (GRCh38, 1-based): chr15:56,098,342, T>C on the plus strand (A>G on the coding strand, the complement: RFX7 is on the minus strand). VCF-style: chr15-56098342-T-C. GRCh37 (hg19) VCF-style: chr15-56390540-T-C.
Other names: c.555A>G, p.Ile185Met (NM_001368073.2, NM_001368074.1, NM_001370554.1); c.846A>G, p.Ile282Met (NM_001370561.1); short protein forms I185M, I282M.
Identifiers: ClinVar variation 3774247 (VCV003774247.1).

ClinVar aggregate classification (germline): Uncertain significance (1 of 4 stars; one submission).

gnomAD v4.1: 3 of 1,609,186 alleles (0.00019%); highest among the groups gnomAD compares: Non-Finnish European, 0.00025%; no homozygotes.

Submission:

GeneDx
Classification: Uncertain significance. Last evaluated: 2024-09-19. Review status: criteria provided, single submitter. Criteria: GeneDx Variant Classification Process June 2021. Collection method: clinical testing. Allele origin: germline. Affected: yes.
Comment: Not observed at significant frequency in large population cohorts (gnomAD); In silico analysis indicates that this missense variant does not alter protein structure/function; Has not been previously published as pathogenic or benign to our knowledge